The following is an entry in ClinVar:

ClinVar aggregate classification (germline): Uncertain significance. Review status: criteria provided, multiple submitters, no conflicts (2 of 4 stars). 2 submissions from 2 submitters: Uncertain significance (2). Last evaluated 2026-04-22.

Submissions (2):

Ambry Genetics
Classification: Uncertain significance. Last evaluated: 2026-04-22. Review status: criteria provided, single submitter. Criteria: Ambry Variant Classification Scheme 2023. Collection method: clinical testing. Allele origin: germline.
Comment: The p.M315T variant (also known as c.944T>C), located in coding exon 9 of the SRP72 gene, results from a T to C substitution at nucleotide position 944. The methionine at codon 315 is replaced by threonine, an amino acid with similar properties. This amino acid position is conserved. In addition, this alteration is predicted to be deleterious by in silico analysis. Based on the available evidence, the clinical significance of this variant remains unclear.

Labcorp Genetics (formerly Invitae), Labcorp
Classification: Uncertain significance. Last evaluated: 2023-05-20. Review status: criteria provided, single submitter. Criteria: Invitae Variant Classification Sherloc (09022015). Collection method: clinical testing. Allele origin: germline.
Comment: In summary, the available evidence is currently insufficient to determine the role of this variant in disease. Therefore, it has been classified as a Variant of Uncertain Significance. Advanced modeling of protein sequence and biophysical properties (such as structural, functional, and spatial information, amino acid conservation, physicochemical variation, residue mobility, and thermodynamic stability) has been performed at Invitae for this missense variant, however the output from this modeling did not meet the statistical confidence thresholds required to predict the impact of this variant on SRP72 protein function. This variant has not been reported in the literature in individuals affected with SRP72-related conditions. This variant is not present in population databases (gnomAD no frequency). This sequence change replaces methionine, which is neutral and non-polar, with threonine, which is neutral and polar, at codon 315 of the SRP72 protein (p.Met315Thr).

NM_006947.4(SRP72):c.944T>C (p.Met315Thr)

Gene: SRP72 (signal recognition particle 72; plus strand). Cytogenetic location: 4q12.
Variant type: single nucleotide variant.
Coding change: c.944T>C on transcript NM_006947.4 (MANE Select); coding-DNA position 944, T replaced by C.
Protein change: p.Met315Thr; replaces methionine 315 with threonine.
Molecular consequence: missense variant. On other transcripts: non-coding transcript variant (1).
Genome position (GRCh38, 1-based): chr4:56,483,257, T>C. VCF-style: chr4-56483257-T-C. GRCh37 (hg19) VCF-style: chr4-57349423-T-C.
Other names: c.761T>C, p.Met254Thr (NM_001267722.2); c.944T>C (NM_006947.3); short protein forms M315T, M254T.
Identifiers: ClinVar variation 2866271 (VCV002866271.4), dbSNP rs1347144263, ClinGen allele CA356999456.